The following is an entry in ClinVar:

NM_001282531.3(ADNP):c.666C>T (p.His222=)

Gene: ADNP (activity dependent neuroprotector homeobox; minus strand). Cytogenetic location: 20q13.13.
Variant type: single nucleotide variant.
Coding change: c.666C>T on transcript NM_001282531.3 (MANE Select); coding-DNA position 666, C replaced by T.
Protein change: p.His222=; no amino-acid change (histidine 222 retained).
Molecular consequence: synonymous variant.
Genome position (GRCh38, 1-based): chr20:50,894,048, G>A on the plus strand (C>T on the coding strand, the complement: ADNP is on the minus strand). VCF-style: chr20-50894048-G-A. GRCh37 (hg19) VCF-style: chr20-49510585-G-A.
Other names: c.666C>T, p.His222= (NM_001282532.2, NM_001347511.2, NM_015339.5 and 1 more transcripts).
Identifiers: ClinVar variation 434091 (VCV000434091.23), dbSNP rs539414821, ClinGen allele CA9908847.
Genomic context (GRCh38, chr20:50,894,048, plus strand): 5'-TTCGATGACATGCTGTACCAAAGCTTCATAGGACTTTGGCATGAAAAGGCATCGCTTGCA[G>A]TGAATACTACTCTCTTCTCGGGCATTCGAGCCTAAGGGGACTGCCCCATTGAGTGATTTT-3'
Protein context (NP_001269460.1, residues 212-232): GSNAREESSI[His222=]CKRCLFMPKS

ClinVar aggregate classification (germline): Likely benign. Review status: criteria provided, multiple submitters, no conflicts (2 of 4 stars). 5 submissions from 5 submitters: Likely benign (5). Last evaluated 2025-09-01.

Conditions:
Inborn genetic diseases. Identifiers: MedGen C0950123, MeSH D030342.

Allele frequency attached by ClinVar (database versions not stated): ExAC 0.00007; gnomAD exomes 0.00010 and 0.00032; TOPMed 0.00015.
gnomAD v4.1: 466 of 1,614,100 alleles (0.029%); highest among the groups gnomAD compares: Non-Finnish European, 0.038%; no homozygotes.

Submissions (5):

CeGaT Center for Human Genetics Tuebingen
Classification: Likely benign. Last evaluated: 2025-09-01. Review status: criteria provided, single submitter. Criteria: CeGaT Center For Human Genetics Tuebingen Variant Classification Criteria Version 2. Collection method: clinical testing. Allele origin: germline. Affected: yes. Observed: 1 variant allele.
Comment: ADNP: BP4

Labcorp Genetics (formerly Invitae), Labcorp
Classification: Likely benign. Last evaluated: 2025-06-23. Review status: criteria provided, single submitter. Criteria: Invitae Variant Classification Sherloc (09022015). Collection method: clinical testing. Allele origin: germline.

Blueprint Genetics
Classification: Likely benign. Last evaluated: 2024-06-25. Review status: criteria provided, single submitter. Criteria: ACMG Guidelines, 2015. Collection method: clinical testing. Allele origin: germline.

Ambry Genetics
Classification: Likely benign for Inborn genetic diseases. Last evaluated: 2017-06-22. Review status: criteria provided, single submitter. Criteria: Ambry Variant Classification Scheme 2023. Collection method: clinical testing. Allele origin: germline.

Genetic Services Laboratory, University of Chicago
Classification: Likely benign. Last evaluated: 2015-12-03. Review status: criteria provided, single submitter. Criteria: ACMG Guidelines, 2015. Collection method: clinical testing. Allele origin: germline. Affected: no.